The following is an entry in ClinVar:

ClinVar aggregate classification (germline): Likely benign (1 of 4 stars; one submission).

gnomAD v4.1: 2 of 1,536,134 alleles (0.00013%); highest among the groups gnomAD compares: Admixed American, 0.0039%; no homozygotes.

Submission:

CeGaT Center for Human Genetics Tuebingen
Classification: Likely benign. Last evaluated: 2026-06-01. Review status: criteria provided, single submitter. Criteria: CeGaT Center For Human Genetics Tuebingen Variant Classification Criteria Version 2. Collection method: clinical testing. Allele origin: germline. Affected: yes. Observed: 1 variant allele.
Comment: ZEB2: BP4, BP7

NM_014795.4(ZEB2):c.73+3500C>T

Gene: ZEB2 (zinc finger E-box binding homeobox 2; minus strand). Cytogenetic location: 2q22.3.
Variant type: single nucleotide variant.
Coding change: c.73+3500C>T on transcript NM_014795.4 (MANE Select); 3500 bases into the intron after coding-DNA position 73, C replaced by T.
Molecular consequence: intron variant. On other transcripts: non-coding transcript variant (1).
Genome position (GRCh38, 1-based): chr2:144,513,778, G>A on the plus strand (C>T on the coding strand, the complement: ZEB2 is on the minus strand). VCF-style: chr2-144513778-G-A. GRCh37 (hg19) VCF-style: chr2-145271345-G-A.
Other names: c.73+3500C>T (NM_001171653.2).
Identifiers: ClinVar variation 4875208 (VCV004875208.2).